The following is an entry in ClinVar:

NM_004615.4(TSPAN7):c.226G>T (p.Gly76Ter)

Gene: TSPAN7 (tetraspanin 7; plus strand). Cytogenetic location: Xp11.4.
Variant type: single nucleotide variant.
Coding change: c.226G>T on transcript NM_004615.4 (MANE Select); coding-DNA position 226, G replaced by T.
Protein change: p.Gly76Ter; replaces glycine 76 with a stop codon.
Molecular consequence: nonsense.
Genome position (GRCh38, 1-based): chrX:38,666,265, G>T. VCF-style: chrX-38666265-G-T. GRCh37 (hg19) VCF-style: chrX-38525519-G-T.
Other names: short protein forms G76*.
Identifiers: ClinVar variation 1310755 (VCV001310755.2), dbSNP rs2147449772, ClinGen allele CA412983043.

ClinVar aggregate classification (germline): Uncertain significance (1 of 4 stars; one submission).

Submission:

GeneDx
Classification: Uncertain significance. Last evaluated: 2019-12-02. Review status: criteria provided, single submitter. Criteria: GeneDx Variant Classification Process June 2021. Collection method: clinical testing. Allele origin: germline. Affected: yes.
Comment: Not observed in large population cohorts (Lek et al., 2016); Nonsense variant predicted to result in protein truncation or nonsense mediated decay in a gene for which loss-of-function is not a known mechanism of disease; Has not been previously published as pathogenic or benign to our knowledge